The following is an entry in ClinVar:

ClinVar aggregate classification (germline): Conflicting classifications of pathogenicity. Review status: criteria provided, conflicting classifications (1 of 4 stars). 5 submissions from 5 submitters: Uncertain significance (4); Likely benign (1). Last evaluated 2025-11-25.

Conditions:
Episodic kinesigenic dyskinesia (EKD). Also called: Paroxysmal kinesigenic dyskinesia. Identifiers: Orphanet 98809, MedGen C1868682, MONDO:0044202.

Allele frequency attached by ClinVar (database versions not stated): gnomAD 0.00001; TOPMed 0.00002; gnomAD exomes 0.00003; ExAC 0.00004; 1000 Genomes Project 30x 0.00016; 1000 Genomes Project 0.00020.

Submissions (5):

Labcorp Genetics (formerly Invitae), Labcorp
Classification: Uncertain significance for Episodic kinesigenic dyskinesia. Last evaluated: 2025-11-25. Review status: criteria provided, single submitter. Criteria: Invitae Variant Classification Sherloc (09022015). Collection method: clinical testing. Allele origin: germline.
Comment: This sequence change replaces arginine, which is basic and polar, with tryptophan, which is neutral and slightly polar, at codon 295 of the PRRT2 protein (p.Arg295Trp). This variant is present in population databases (rs200185554, gnomAD 0.004%). This missense change has been observed in individual(s) with benign infantile epilepsy (PMID: 30392205). ClinVar contains an entry for this variant (Variation ID: 846701). Invitae Evidence Modeling of protein sequence and biophysical properties (such as structural, functional, and spatial information, amino acid conservation, physicochemical variation, residue mobility, and thermodynamic stability) indicates that this missense variant is expected to disrupt PRRT2 protein function with a positive predictive value of 80%. This variant disrupts the p.Arg259 amino acid residue in PRRT2. Other variant(s) that disrupt this residue have been observed in individuals with PRRT2-related conditions (PMID: 23299620, 30392205, 31901402), which suggests that this may be a clinically significant amino acid residue. In summary, the available evidence is currently insufficient to determine the role of this variant in disease. Therefore, it has been classified as a Variant of Uncertain Significance.

Revvity Omics, Revvity
Classification: Uncertain significance. Last evaluated: 2025-03-27. Review status: criteria provided, single submitter. Criteria: ACMG Guidelines, 2015. Collection method: clinical testing. Allele origin: germline.

Blueprint Genetics
Classification: Uncertain significance. Last evaluated: 2024-11-18. Review status: criteria provided, single submitter. Criteria: ACMG Guidelines, 2015. Collection method: clinical testing. Allele origin: germline.

GeneDx
Classification: Uncertain significance. Last evaluated: 2024-04-10. Review status: criteria provided, single submitter. Criteria: GeneDx Variant Classification Process June 2021. Collection method: clinical testing. Allele origin: germline. Affected: yes.
Comment: In silico analysis supports that this missense variant has a deleterious effect on protein structure/function; Missense variant in a gene in which most reported pathogenic variants are truncating/loss of function; This variant is associated with the following publications: (PMID: 34426522, 30392205)

CeGaT Center for Human Genetics Tuebingen
Classification: Likely benign. Last evaluated: 2022-12-01. Review status: criteria provided, single submitter. Criteria: CeGaT Center For Human Genetics Tuebingen Variant Classification Criteria Version 2. Collection method: clinical testing. Allele origin: germline. Affected: yes. Observed: 1 variant allele.
Comment: PRRT2: PM5, BP5, BS2

Literature cited by the submitters: PubMed 30392205 (cited by Labcorp Genetics (formerly Invitae), Labcorp); PubMed 23299620 (cited by Labcorp Genetics (formerly Invitae), Labcorp); PubMed 31901402 (cited by Labcorp Genetics (formerly Invitae), Labcorp).

NM_145239.3(PRRT2):c.883C>T (p.Arg295Trp)

Genes: MVP-DT (MVP divergent transcript; minus strand), PRRT2 (proline rich transmembrane protein 2; plus strand). Cytogenetic location: 16p11.2.
Variant type: single nucleotide variant.
Coding change: c.883C>T on transcript NM_145239.3 (MANE Select); coding-DNA position 883, C replaced by T.
Protein change: p.Arg295Trp; replaces arginine 295 with tryptophan.
Molecular consequence: missense variant. On other transcripts: 3 prime UTR variant (1).
Genome position (GRCh38, 1-based): chr16:29,814,336, C>T. VCF-style: chr16-29814336-C-T. GRCh37 (hg19) VCF-style: chr16-29825657-C-T.
Other names: c.883C>T, p.Arg295Trp (NM_001256442.2); c.*382C>T (NM_001256443.2); short protein forms R295W.
Identifiers: ClinVar variation 846701 (VCV000846701.41), dbSNP rs200185554, ClinGen allele CA7994618.